The following is an entry in ClinVar:

ClinVar aggregate classification (germline): Uncertain significance (1 of 4 stars; one submission).

Conditions:
Holoprosencephaly 5 (HPE5). Identifiers: Orphanet 2162, MedGen C1864827, MONDO:0012322, OMIM 609637.

Submission:

Labcorp Genetics (formerly Invitae), Labcorp
Classification: Uncertain significance for Holoprosencephaly 5. Last evaluated: 2025-08-18. Review status: criteria provided, single submitter. Criteria: Invitae Variant Classification Sherloc (09022015). Collection method: clinical testing. Allele origin: germline.
Comment: This sequence change replaces serine, which is neutral and polar, with asparagine, which is neutral and polar, at codon 444 of the ZIC2 protein (p.Ser444Asn). This variant is not present in population databases (gnomAD no frequency). This variant has not been reported in the literature in individuals affected with ZIC2-related conditions. Invitae Evidence Modeling of protein sequence and biophysical properties (such as structural, functional, and spatial information, amino acid conservation, physicochemical variation, residue mobility, and thermodynamic stability) indicates that this missense variant is not expected to disrupt ZIC2 protein function with a negative predictive value of 80%. In summary, the available evidence is currently insufficient to determine the role of this variant in disease. Therefore, it has been classified as a Variant of Uncertain Significance.

NM_007129.5(ZIC2):c.1331G>A (p.Ser444Asn)

Gene: ZIC2 (Zic family zinc finger 2; plus strand). Cytogenetic location: 13q32.3.
Variant type: single nucleotide variant.
Coding change: c.1331G>A on transcript NM_007129.5 (MANE Select); coding-DNA position 1331, G replaced by A.
Protein change: p.Ser444Asn; replaces serine 444 with asparagine.
Molecular consequence: missense variant.
Genome position (GRCh38, 1-based): chr13:99,985,414, G>A. VCF-style: chr13-99985414-G-A. GRCh37 (hg19) VCF-style: chr13-100637668-G-A.
Other names: short protein forms S444N.
Identifiers: ClinVar variation 4741772 (VCV004741772.1).
Genomic context (GRCh38, chr13:99,985,414, plus strand): 5'-CCTCCCCGGCCGCCAGCTCCGGCTATGAGTCGTCCACGCCCCCGGGGCTGGTGTCCCCCA[G>A]CGCCGAGCCCCAGAGCAGCTCCAACCTGTCCCCAGCGGCGGCGGCAGCGGCGGCGGCGGC-3'
Protein context (NP_009060.2, residues 434-454): SSTPPGLVSP[Ser444Asn]AEPQSSSNLS